The following is an entry in ClinVar:

ClinVar aggregate classification (germline): Benign/Likely benign. Review status: criteria provided, multiple submitters, no conflicts (2 of 4 stars). 7 submissions from 7 submitters: Benign (1); Likely benign (6). Last evaluated 2026-01-19.

Conditions:
Early-infantile DEE. Also called: Ohtahara syndrome; Early infantile epileptic encephalopathy; Early infantile epileptic encephalopathy with suppression bursts. Identifiers: Orphanet 1934, MedGen C0393706, MONDO:0800491.
SPTAN1-related disorder. Also called: SPTAN1-related disorders; SPTAN1-related condition.
Inborn genetic diseases. Identifiers: MedGen C0950123, MeSH D030342.

Allele frequency attached by ClinVar (database versions not stated): gnomAD exomes 0.00011 and 0.00018; ExAC 0.00021; ESP Exome Variant Server 0.00023; gnomAD 0.00027; 1000 Genomes Project 30x 0.00031; TOPMed 0.00035; 1000 Genomes Project 0.00040.
gnomAD v4.1: 226 of 1,602,714 alleles (0.014%); highest among the groups gnomAD compares: Middle Eastern, 0.083%; no homozygotes.

Submissions (8):

Labcorp Genetics (formerly Invitae), Labcorp
Classification: Likely benign for Early-infantile DEE. Last evaluated: 2026-01-19. Review status: criteria provided, single submitter. Criteria: Invitae Variant Classification Sherloc (09022015). Collection method: clinical testing. Allele origin: germline.

CeGaT Center for Human Genetics Tuebingen
Classification: Likely benign. Last evaluated: 2025-09-01. Review status: criteria provided, single submitter. Criteria: CeGaT Center For Human Genetics Tuebingen Variant Classification Criteria Version 2. Collection method: clinical testing. Allele origin: germline. Affected: yes. Observed: 3 variant alleles.
Comment: SPTAN1: BS1

PreventionGenetics, part of Exact Sciences
Classification: Likely benign for SPTAN1-related condition. Last evaluated: 2025-04-26. Review status: criteria provided, single submitter. Criteria: ACMG Guidelines, 2015. Collection method: clinical testing. Allele origin: germline.
Comment: This variant is classified as likely benign based on ACMG/AMP sequence variant interpretation guidelines (Richards et al. 2015 PMID: 25741868, with internal and published modifications).

Women's Health and Genetics/Laboratory Corporation of America, LabCorp
Classification: Likely benign. Last evaluated: 2025-01-27. Review status: criteria provided, single submitter. Criteria: LabCorp Variant Classification Summary - May 2015. Collection method: clinical testing. Allele origin: germline.
Comment: Variant summary: SPTAN1 c.3518A>C (p.Gln1173Pro) results in a non-conservative amino acid change located in the SPEC (IPR018159) of the encoded protein sequence. Three of five in-silico tools predict a damaging effect of the variant on protein function. Consensus agreement among computation tools predict no significant impact on normal splicing. However, these predictions have yet to be confirmed by functional studies. The variant allele was found at a frequency of 0.00014 in 1602714 control chromosomes, predominantly at a frequency of 0.00065 within the Latino subpopulation in the gnomAD database. To our knowledge, no occurrence of c.3518A>C in individuals affected with Epileptic Encephalopathy, Early Infantile, 5 and no experimental evidence demonstrating its impact on protein function have been reported. ClinVar contains an entry for this variant (Variation ID: 207280). Based on the evidence outlined above, the variant was classified as likely benign.

Blueprint Genetics
Classification: Likely benign. Last evaluated: 2023-09-13. Review status: criteria provided, single submitter. Criteria: ACMG Guidelines, 2015. Collection method: clinical testing. Allele origin: germline.

Ambry Genetics
Classification: Benign for Inborn genetic diseases. Last evaluated: 2019-02-23. Review status: criteria provided, single submitter. Criteria: Ambry Variant Classification Scheme 2023. Collection method: clinical testing. Allele origin: germline.

GeneDx
Classification: Likely benign. Last evaluated: 2017-10-17. Review status: criteria provided, single submitter. Criteria: GeneDx Variant Classification (06012015). Collection method: clinical testing. Allele origin: germline. Affected: yes.
Comment: This variant is considered likely benign or benign based on one or more of the following criteria: it is a conservative change, it occurs at a poorly conserved position in the protein, it is predicted to be benign by multiple in silico algorithms, and/or has population frequency not consistent with disease.

Dr. Peter K. Rogan Lab, Western University
No classification provided (evidence only). Condition: Familial cancer of breast. Review status: no classification provided. Collection method: in vitro. Allele origin: not applicable. Functional consequence: retained intron. Not counted in ClinVar's aggregate classification.

NM_001130438.3(SPTAN1):c.3518A>C (p.Gln1173Pro)

Gene: SPTAN1 (spectrin alpha, non-erythrocytic 1; plus strand). Cytogenetic location: 9q34.11.
Variant type: single nucleotide variant.
Coding change: c.3518A>C on transcript NM_001130438.3 (MANE Select); coding-DNA position 3518, A replaced by C.
Protein change: p.Gln1173Pro; replaces glutamine 1173 with proline.
Molecular consequence: missense variant.
Genome position (GRCh38, 1-based): chr9:128,598,503, A>C. VCF-style: chr9-128598503-A-C. GRCh37 (hg19) VCF-style: chr9-131360782-A-C.
Other names: p.Q1173P:CAG>CCG; c.3458A>C, p.Gln1153Pro (NM_001195532.2, NM_001363765.2); c.3518A>C, p.Gln1173Pro (NM_001363759.2, NM_003127.4); short protein forms Q1173P, Q1153P.
Identifiers: ClinVar variation 207280 (VCV000207280.59), dbSNP rs141696651, ClinGen allele CA318597.